The following is an entry in ClinVar:

NM_013275.6(ANKRD11):c.7552C>T (p.Gln2518Ter)

Gene: ANKRD11 (ankyrin repeat domain containing 11; minus strand). Cytogenetic location: 16q24.3.
Variant type: single nucleotide variant.
Coding change: c.7552C>T on transcript NM_013275.6 (MANE Select); coding-DNA position 7552, C replaced by T.
Protein change: p.Gln2518Ter; replaces glutamine 2518 with a stop codon.
Molecular consequence: nonsense.
Genome position (GRCh38, 1-based): chr16:89,275,110, G>A on the plus strand (C>T on the coding strand, the complement: ANKRD11 is on the minus strand). VCF-style: chr16-89275110-G-A. GRCh37 (hg19) VCF-style: chr16-89341518-G-A.
Other names: c.7552C>T, p.Gln2518Ter (NM_001256182.2, NM_001256183.2); short protein forms Q2518*.
Identifiers: ClinVar variation 280739 (VCV000280739.3), dbSNP rs886041889, ClinGen allele CA10603346.
Genomic context (GRCh38, chr16:89,275,110, plus strand): 5'-AGCCCTGGCCGTGGCGCCCCCCTGCCTGTGCCAGCCCACTTACCCGCTCGATGCTGTGCT[G>A]TAGACGCAGCTTTCCCCGGACGGCCTCCTGCTGCCTGAACAGCTCCTTCAGGGGCTCCGC-3'

ClinVar aggregate classification (germline): Pathogenic (1 of 4 stars; one submission).

Submission:

GeneDx
Classification: Pathogenic. Last evaluated: 2025-03-20. Review status: criteria provided, single submitter. Criteria: GeneDx Variant Classification Process June 2021. Collection method: clinical testing. Allele origin: germline. Affected: yes.
Comment: Nonsense variant predicted to result in protein truncation or nonsense mediated decay in a gene for which loss of function is a known mechanism of disease; Not observed at significant frequency in large population cohorts (gnomAD); This variant is associated with the following publications: (PMID: 33057194, 35982159, 34440431)